The following is an entry in ClinVar:

NM_001200.4(BMP2):c.509G>A (p.Arg170Gln)

Gene: BMP2 (bone morphogenetic protein 2; plus strand). Cytogenetic location: 20p12.3.
Variant type: single nucleotide variant.
Coding change: c.509G>A on transcript NM_001200.4 (MANE Select); coding-DNA position 509, G replaced by A.
Protein change: p.Arg170Gln; replaces arginine 170 with glutamine.
Molecular consequence: missense variant.
Genome position (GRCh38, 1-based): chr20:6,778,407, G>A. VCF-style: chr20-6778407-G-A. GRCh37 (hg19) VCF-style: chr20-6759054-G-A.
Other names: short protein forms R170Q.
Identifiers: ClinVar variation 1377393 (VCV001377393.9), dbSNP rs776834114, ClinGen allele CA9758694.

ClinVar aggregate classification (germline): Uncertain significance. Review status: criteria provided, multiple submitters, no conflicts (2 of 4 stars). 2 submissions from 2 submitters: Uncertain significance (2). Last evaluated 2024-10-07.

Conditions:
Short stature, facial dysmorphism, and skeletal anomalies with or without cardiac anomalies 1. Identifiers: MedGen C5542952, MONDO:0100297, OMIM 617877.

Allele frequency attached by ClinVar (database versions not stated): ExAC 0.00001; gnomAD 0.00001; gnomAD exomes 0.00001 and 0.00002; TOPMed 0.00002.

Submissions (2):

Labcorp Genetics (formerly Invitae), Labcorp
Classification: Uncertain significance. Last evaluated: 2024-10-07. Review status: criteria provided, single submitter. Criteria: Invitae Variant Classification Sherloc (09022015). Collection method: clinical testing. Allele origin: germline.
Comment: This sequence change replaces arginine, which is basic and polar, with glutamine, which is neutral and polar, at codon 170 of the BMP2 protein (p.Arg170Gln). This variant is present in population databases (rs776834114, gnomAD 0.004%). This variant has not been reported in the literature in individuals affected with BMP2-related conditions. ClinVar contains an entry for this variant (Variation ID: 1377393). An algorithm developed to predict the effect of missense changes on protein structure and function (PolyPhen-2) suggests that this variant is likely to be disruptive. In summary, the available evidence is currently insufficient to determine the role of this variant in disease. Therefore, it has been classified as a Variant of Uncertain Significance.

Department of Pathology and Laboratory Medicine, Sinai Health System
Classification: Uncertain significance for short stature, facial dysmorphism, and skeletal anomalies with or without cardiac anomalies 1. Last evaluated: 2021-11-08. Review status: criteria provided, single submitter. Criteria: ACMG Guidelines, 2015. Collection method: research. Allele origin: germline.